The following is an entry in ClinVar:

ClinVar aggregate classification (germline): Conflicting classifications of pathogenicity. Review status: criteria provided, conflicting classifications (1 of 4 stars). 2 submissions from 2 submitters: Uncertain significance (1); Likely benign (1). Last evaluated 2025-10-02.

Conditions:
Inborn genetic diseases. Identifiers: MedGen C0950123, MeSH D030342.

Allele frequency attached by ClinVar (database versions not stated): ExAC 0.00005; TOPMed 0.00005; gnomAD 0.00011.
gnomAD v4.1: 73 of 1,613,836 alleles (0.0045%); highest among the groups gnomAD compares: Admixed American, 0.047%; no homozygotes.

Submissions (2):

Labcorp Genetics (formerly Invitae), Labcorp
Classification: Uncertain significance. Last evaluated: 2025-10-02. Review status: criteria provided, single submitter. Criteria: Invitae Variant Classification Sherloc (09022015). Collection method: clinical testing. Allele origin: germline.
Comment: This sequence change replaces valine, which is neutral and non-polar, with isoleucine, which is neutral and non-polar, at codon 107 of the CDC45 protein (p.Val107Ile). This variant is present in population databases (rs769332983, gnomAD 0.04%). This variant has not been reported in the literature in individuals affected with CDC45-related conditions. ClinVar contains an entry for this variant (Variation ID: 1382166). An algorithm developed to predict the effect of missense changes on protein structure and function outputs the following: PolyPhen-2: "Benign". The isoleucine amino acid residue is found in multiple mammalian species, which suggests that this missense change does not adversely affect protein function. In summary, the available evidence is currently insufficient to determine the role of this variant in disease. Therefore, it has been classified as a Variant of Uncertain Significance.

Ambry Genetics
Classification: Likely benign for Inborn genetic diseases. Last evaluated: 2024-11-20. Review status: criteria provided, single submitter. Criteria: Ambry Variant Classification Scheme 2023. Collection method: clinical testing. Allele origin: germline.

NM_003504.5(CDC45):c.319G>A (p.Val107Ile)

Gene: CDC45 (cell division cycle 45; plus strand). Cytogenetic location: 22q11.21.
Variant type: single nucleotide variant.
Coding change: c.319G>A on transcript NM_003504.5 (MANE Select); coding-DNA position 319, G replaced by A.
Protein change: p.Val107Ile; replaces valine 107 with isoleucine.
Molecular consequence: missense variant. On other transcripts: non-coding transcript variant (1), intron variant (1).
Genome position (GRCh38, 1-based): chr22:19,482,804, G>A. VCF-style: chr22-19482804-G-A. GRCh37 (hg19) VCF-style: chr22-19470327-G-A.
Other names: c.319G>A, p.Val107Ile (NM_001178010.2); c.283G>A, p.Val95Ile (NM_001369291.1); c.205-1058G>A (NM_001178011.2); c.319G>A (NM_001178010.1); short protein forms V107I, V95I.
Identifiers: ClinVar variation 1382166 (VCV001382166.9), dbSNP rs769332983, ClinGen allele CA10101000.
Genomic context (GRCh38, chr22:19,482,804, plus strand): 5'-CTTCAACCTGATGAAGACACTATATTCTTTGTGTGTGACACCCATAGGCCAGTCAATGTC[G>A]TCAATGTATACAACGATACCCAGGTACTTTTTGTGCTATGCCCTCAAACTGTCTGTACTT-3'
Protein context (NP_003495.1, residues 97-117): VCDTHRPVNV[Val107Ile]NVYNDTQIKL